The following is an entry in ClinVar:

ClinVar aggregate classification (germline): Uncertain significance. Review status: criteria provided, multiple submitters, no conflicts (2 of 4 stars). 2 submissions from 2 submitters: Uncertain significance (2). Last evaluated 2025-11-24.

Conditions:
Microcytic anemia. Identifiers: MedGen C5194182, MONDO:0001245, HP:0001935. Disease mechanism: loss of function.
Inborn genetic diseases. Identifiers: MedGen C0950123, MeSH D030342.

Allele frequency attached by ClinVar (database versions not stated): ExAC 0.00033; gnomAD 0.00007 and 0.00006; gnomAD exomes 0.00008 and 0.00003; TOPMed 0.00009; 1000 Genomes Project 0.00020; ESP Exome Variant Server 0.00031; 1000 Genomes Project 30x 0.00031.
gnomAD v4.1: 60 of 1,559,730 alleles (0.0038%); highest among the groups gnomAD compares: Middle Eastern, 0.02%; no homozygotes.

Submissions (2):

Ambry Genetics
Classification: Uncertain significance for Inborn genetic diseases. Last evaluated: 2025-11-24. Review status: criteria provided, single submitter. Criteria: Ambry Variant Classification Scheme 2023. Collection method: clinical testing. Allele origin: germline.

Baylor Genetics
Classification: Uncertain significance for Iron-refractory iron deficiency anemia. Last evaluated: 2020-05-19. Review status: criteria provided, single submitter. Criteria: ACMG Guidelines, 2015. Collection method: clinical testing. Allele origin: unknown. Affected: yes.
Comment: This variant was determined to be of uncertain significance according to ACMG Guidelines, 2015 [PMID:25741868].

NM_001374504.1(TMPRSS6):c.1085C>T (p.Thr362Met)

Gene: TMPRSS6 (transmembrane serine protease 6; minus strand). Cytogenetic location: 22q12.3.
Variant type: single nucleotide variant.
Coding change: c.1085C>T on transcript NM_001374504.1 (MANE Select); coding-DNA position 1085, C replaced by T.
Protein change: p.Thr362Met; replaces threonine 362 with methionine.
Molecular consequence: missense variant.
Genome position (GRCh38, 1-based): chr22:37,084,728, G>A on the plus strand (C>T on the coding strand, the complement: TMPRSS6 is on the minus strand). VCF-style: chr22-37084728-G-A. GRCh37 (hg19) VCF-style: chr22-37480768-G-A.
Other names: c.1085C>T, p.Thr362Met (NM_001289000.2, NM_001289001.2, NM_153609.4); short protein forms T362M.
Identifiers: ClinVar variation 1030290 (VCV001030290.2), dbSNP rs144261072, ClinGen allele CA10215794.